The following is an entry in ClinVar:

NM_024741.3(ZNF408):c.1699C>T (p.Arg567Ter)

Gene: ZNF408 (zinc finger protein 408; plus strand). Cytogenetic location: 11p11.2.
Variant type: single nucleotide variant.
Coding change: c.1699C>T on transcript NM_024741.3 (MANE Select); coding-DNA position 1699, C replaced by T.
Protein change: p.Arg567Ter; replaces arginine 567 with a stop codon.
Molecular consequence: nonsense.
Genome position (GRCh38, 1-based): chr11:46,705,399, C>T. VCF-style: chr11-46705399-C-T. GRCh37 (hg19) VCF-style: chr11-46726949-C-T.
Other names: c.1675C>T, p.Arg559Ter (NM_001184751.2); short protein forms R559*, R567*.
Identifiers: ClinVar variation 816964 (VCV000816964.7), dbSNP rs774627405, ClinGen allele CA5966626.
Genomic context (GRCh38, chr11:46,705,399, plus strand): 5'-ACCGGGGAGGCCCACTTGTGCCCGGTGTGTGGCAAGGCCCTCCGAGACCCACACACGCTC[C>T]GAGCTCACGAGCGCCTGCACTCCGGAGAGAGGCCCTTTCCCTGTCCCCAGTGTGGCCGTG-3'

ClinVar aggregate classification (germline): Conflicting classifications of pathogenicity. Review status: criteria provided, conflicting classifications (1 of 4 stars). 2 submissions from 2 submitters: Likely pathogenic (1); Uncertain significance (1). Last evaluated 2022-02-17.

Allele frequency attached by ClinVar (database versions not stated): TOPMed below 0.00001; gnomAD exomes 0.00002; ExAC 0.00003.
gnomAD v4.1: 7 of 1,608,024 alleles (0.00044%); highest among the groups gnomAD compares: Admixed American, 0.0017%; no homozygotes.

Submissions (2):

Labcorp Genetics (formerly Invitae), Labcorp
Classification: Uncertain significance. Last evaluated: 2022-02-17. Review status: criteria provided, single submitter. Criteria: Invitae Variant Classification Sherloc (09022015). Collection method: clinical testing. Allele origin: germline.
Comment: This sequence change creates a premature translational stop signal (p.Arg567*) in the ZNF408 gene. While this is not anticipated to result in nonsense mediated decay, it is expected to disrupt the last 154 amino acid(s) of the ZNF408 protein. In summary, the available evidence is currently insufficient to determine the role of this variant in disease. Therefore, it has been classified as a Variant of Uncertain Significance. Experimental studies and prediction algorithms are not available or were not evaluated, and the functional significance of this variant is currently unknown. ClinVar contains an entry for this variant (Variation ID: 816964). This premature translational stop signal has been observed in individual(s) with autosomal recessive retinitis pigmentosa (PMID: 28559085). This variant is present in population databases (rs774627405, gnomAD 0.003%).

GeneDx
Classification: Likely pathogenic. Last evaluated: 2019-03-15. Review status: criteria provided, single submitter. Criteria: GeneDx Variant Classification (06012015). Collection method: clinical testing. Allele origin: germline. Affected: yes.
Comment: The R567X variant in the ZNF408 gene has been reported previously in an individual with retinitis pigmentosa who had an additional ZNF408 variant, although segregation data were not provided to determine the phase of these two variants (Stone et al., 2017). This variant is predicted to cause loss of normal protein function through protein truncation, as the last 154 amino acids are lost. The R567X variant is not observed at a significant frequency in large population cohorts (Lek et al., 2016). We interpret R567X as a likely pathogenic variant.

Literature cited by the submitters: PubMed 28559085 (cited by Labcorp Genetics (formerly Invitae), Labcorp).